The following is an entry in ClinVar:

NM_000179.3(MSH6):c.2577_2580del (p.Ser860fs)

Gene: MSH6 (mutS homolog 6; plus strand). Cytogenetic location: 2p16.3.
Variant type: Microsatellite.
Coding change: c.2577_2580del on transcript NM_000179.3 (MANE Select); coding-DNA positions 2577 to 2580, 4 bases deleted (TTCT; older notation c.2577_2580delTTCT).
Protein change: p.Ser860fs; shifts the reading frame from serine 860.
Molecular consequence: frameshift variant. On other transcripts: non-coding transcript variant (5), intron variant (3).
Genome position (GRCh38, 1-based): chr2:47,800,560-47,800,563, TTCT deleted; deleting any 4 consecutive bases within chr2:47,800,555-47,800,563 gives the same sequence; the c. name uses the placement nearest the transcript's 3' end. VCF-style (leftmost placement, unchanged base first): chr2-47800554-TTTTC-T. GRCh37 (hg19) VCF-style: chr2-48027693-TTTTC-T.
Other names: c.2187_2190del, p.Ser730fs (NM_001281492.2); c.1671_1674del, p.Ser558fs (NM_001281493.2, NM_001281494.2, NM_001406811.1 and 6 more transcripts); c.2673_2676del, p.Ser892fs (NM_001406795.1, NM_001406802.1); c.2577_2580del, p.Ser860fs (NM_001406796.1, NM_001406798.1, NM_001406800.1 and 2 more transcripts); c.2280_2283del, p.Ser761fs (NM_001406797.1, NM_001406801.1, NM_001406805.1 and 10 more transcripts); c.2052_2055del, p.Ser685fs (NM_001406799.1, NM_001406806.1, NM_001406807.1); c.2499_2502del, p.Ser834fs (NM_001406804.1); c.2583_2586del, p.Ser862fs (NM_001406813.1); and 4 more; short protein forms S558fs, S685fs, S730fs, S761fs, S804fs, S834fs, S860fs, S862fs.
Identifiers: ClinVar variation 2673662 (VCV002673662.1), dbSNP rs2530680662, ClinGen allele CA2695200556.

ClinVar aggregate classification (germline): Pathogenic (1 of 4 stars; one submission).

Conditions:
Lynch syndrome 5 (LYNCH5). Also called: Colorectal cancer, hereditary nonpolyposis, type 5; Hereditary non-polyposis colorectal cancer, type 5. Identifiers: Orphanet 144, MedGen C1833477, MONDO:0013710, OMIM 614350. Disease mechanism: loss of function.

Submission:

Myriad Genetics, Inc.
Classification: Pathogenic for Lynch syndrome 5. Last evaluated: 2023-08-17. Review status: criteria provided, single submitter. Criteria: Myriad Autosomal Dominant, Autosomal Recessive and X-Linked Classification Criteria (2023). Collection method: clinical testing. Allele origin: unknown.
Comment: This variant is considered pathogenic. This variant creates a frameshift predicted to result in premature protein truncation.